The following is an entry in ClinVar:

ClinVar aggregate classification (germline): Pathogenic. Review status: criteria provided, multiple submitters, no conflicts (2 of 4 stars). 2 submissions from 2 submitters: Pathogenic (2). Last evaluated 2024-04-09.

Conditions:
Familial adenomatous polyposis 1 (FAP1). Also called: POLYPOSIS, ADENOMATOUS INTESTINAL; FAMILIAL ADENOMATOUS POLYPOSIS 1, ATTENUATED. Identifiers: MedGen C2713442, MONDO:0021056, OMIM 175100. Disease mechanism: loss of function.

Submissions (2):

Labcorp Genetics (formerly Invitae), Labcorp
Classification: Pathogenic for Familial adenomatous polyposis 1. Last evaluated: 2024-04-09. Review status: criteria provided, single submitter. Criteria: Invitae Variant Classification Sherloc (09022015). Collection method: clinical testing. Allele origin: germline.
Comment: This sequence change creates a premature translational stop signal (p.Lys1462Argfs*5) in the APC gene. While this is not anticipated to result in nonsense mediated decay, it is expected to disrupt the last 1382 amino acid(s) of the APC protein. This variant is not present in population databases (gnomAD no frequency). This premature translational stop signal has been observed in individual(s) with clinical features of familial adenomatous polyposis (PMID: 20223039). ClinVar contains an entry for this variant (Variation ID: 1456635). This variant is expected to disrupt the EB1 and HDLG binding sites, which mediate interactions with the cytoskeleton (PMID: 15311282, 17293347). While functional studies have not been performed to directly test the effect on APC protein function, this suggests that disruption of the C-terminal portion of the protein is functionally important. A different truncation (p.Tyr2645Lysfs*14) that lies downstream of this variant has been determined to be pathogenic (PMID: 9824584, 1316610, 27081525, 8381579, 22135120, Invitae). This suggests that deletion of this region of the APC protein is causative of disease. For these reasons, this variant has been classified as Pathogenic.

Myriad Genetics, Inc.
Classification: Pathogenic for Familial adenomatous polyposis 1. Last evaluated: 2023-05-10. Review status: criteria provided, single submitter. Criteria: Myriad Autosomal Dominant, Autosomal Recessive and X-Linked Classification Criteria (2023). Collection method: clinical testing. Allele origin: unknown.
Comment: This variant is considered pathogenic. This variant creates a frameshift predicted to result in premature protein truncation.

Literature cited by the submitters: PubMed 20223039 (cited by Labcorp Genetics (formerly Invitae), Labcorp); PubMed 15311282 (cited by Labcorp Genetics (formerly Invitae), Labcorp); PubMed 17293347 (cited by Labcorp Genetics (formerly Invitae), Labcorp); PubMed 9824584 (cited by Labcorp Genetics (formerly Invitae), Labcorp); PubMed 1316610 (cited by Labcorp Genetics (formerly Invitae), Labcorp); PubMed 27081525 (cited by Labcorp Genetics (formerly Invitae), Labcorp); PubMed 8381579 (cited by Labcorp Genetics (formerly Invitae), Labcorp); PubMed 22135120 (cited by Labcorp Genetics (formerly Invitae), Labcorp).

NM_000038.6(APC):c.4383_4387del (p.Lys1462fs)

Gene: APC (APC regulator of Wnt signaling pathway; plus strand). Cytogenetic location: 5q22.2.
Variant type: Deletion.
Coding change: c.4383_4387del on transcript NM_000038.6 (MANE Select); coding-DNA positions 4383 to 4387, 5 bases deleted (AAAGA; older notation c.4383_4387delAAAGA).
Protein change: p.Lys1462fs; shifts the reading frame from lysine 1462.
Molecular consequence: frameshift variant.
Genome position (GRCh38, 1-based): chr5:112,839,977-112,839,981, AAAGA deleted; deleting any 5 consecutive bases within chr5:112,839,975-112,839,981 gives the same sequence; the c. name uses the placement nearest the transcript's 3' end. VCF-style (leftmost placement, unchanged base first): chr5-112839974-TGAAAA-T. GRCh37 (hg19) VCF-style: chr5-112175671-TGAAAA-T.
Other names: c.4383_4387del, p.Lys1462fs (NM_001127510.3, NM_001354895.2); c.4329_4333del, p.Lys1444fs (NM_001127511.3); c.4437_4441del, p.Lys1480fs (NM_001354896.2); c.4413_4417del, p.Lys1472fs (NM_001354897.2); c.4308_4312del, p.Lys1437fs (NM_001354898.2); c.4299_4303del, p.Lys1434fs (NM_001354899.2); c.4260_4264del, p.Lys1421fs (NM_001354900.2); c.4206_4210del, p.Lys1403fs (NM_001354901.2); and 5 more; short protein forms K1179fs, K1302fs, K1361fs, K1371fs, K1480fs, K1336fs, K1403fs, K1462fs.
Identifiers: ClinVar variation 1456635 (VCV001456635.9), dbSNP rs2149913330, ClinGen allele CA658760708.